The following is an entry in ClinVar:

NM_014239.4(EIF2B2):c.816C>G (p.Phe272Leu)

Gene: EIF2B2 (eukaryotic translation initiation factor 2B subunit beta; plus strand). Cytogenetic location: 14q24.3.
Variant type: single nucleotide variant.
Coding change: c.816C>G on transcript NM_014239.4 (MANE Select); coding-DNA position 816, C replaced by G.
Protein change: p.Phe272Leu; replaces phenylalanine 272 with leucine.
Molecular consequence: missense variant.
Genome position (GRCh38, 1-based): chr14:75,006,699, C>G. VCF-style: chr14-75006699-C-G. GRCh37 (hg19) VCF-style: chr14-75473402-C-G.
Other names: short protein forms F272L.
Identifiers: ClinVar variation 1701237 (VCV001701237.31), dbSNP rs2139255068, ClinGen allele CA390429081.
Genomic context (GRCh38, chr14:75,006,699, plus strand): 5'-CACTCTGGCACTGGCAGCAAAACACCATTCCACCCCACTCATCGTCTGTGCACCTATGTT[C>G]AAACTTTCTCCACAGGTAAGTGTGTCTGTCTCTAGCTAGAAGCCAGCAGAAAAGAAGGAA-3'
Protein context (NP_055054.1, residues 262-282): STPLIVCAPM[Phe272Leu]KLSPQFPNEE

ClinVar aggregate classification (germline): Uncertain significance (1 of 4 stars; one submission).

Submission:

CeGaT Center for Human Genetics Tuebingen
Classification: Uncertain significance. Last evaluated: 2022-07-01. Review status: criteria provided, single submitter. Criteria: CeGaT Center For Human Genetics Tuebingen Variant Classification Criteria Version 2. Collection method: clinical testing. Allele origin: germline. Affected: yes. Observed: 1 variant allele.
Comment: EIF2B2: PM2, PP3